The following is an entry in ClinVar:

ClinVar aggregate classification (germline): Uncertain significance (1 of 4 stars; one submission).

Submission:

Greenwood Genetic Center Diagnostic Laboratories, Greenwood Genetic Center
Classification: Uncertain significance. Last evaluated: 2025-04-07. Review status: criteria provided, single submitter. Criteria: ACMG Guidelines, 2015. Collection method: clinical testing. Allele origin: germline. Affected: yes.
Comment: PM2, BP4, PP2

NM_006593.4(TBR1):c.1781C>T (p.Ser594Leu)

Gene: TBR1 (T-box brain transcription factor 1; plus strand). Cytogenetic location: 2q24.2.
Variant type: single nucleotide variant.
Coding change: c.1781C>T on transcript NM_006593.4 (MANE Select); coding-DNA position 1781, C replaced by T.
Protein change: p.Ser594Leu; replaces serine 594 with leucine.
Molecular consequence: missense variant.
Genome position (GRCh38, 1-based): chr2:161,423,959, C>T. VCF-style: chr2-161423959-C-T. GRCh37 (hg19) VCF-style: chr2-162280470-C-T.
Other names: short protein forms S594L.
Identifiers: ClinVar variation 4538218 (VCV004538218.1).
Genomic context (GRCh38, chr2:161,423,959, plus strand): 5'-GCATGGCCGGCGCCAATCCCTACCTGGGCGAGGAGGCCGAGGGCCTGGCCGCCGAGCGCT[C>T]GCCGCTGCCGCCCGGCGCCGCCGAGGACGCCAAGCCCAAGGACCTGTCCGATTCCAGCTG-3'
Protein context (NP_006584.1, residues 584-604): EEAEGLAAER[Ser594Leu]PLPPGAAEDA